The following is an entry in ClinVar:

ClinVar aggregate classification (germline): Uncertain significance (1 of 4 stars; one submission).

Conditions:
Joubert syndrome. Also called: JOUBERT-BOLTSHAUSER SYNDROME; Familial aplasia of the vermis. Identifiers: Orphanet 475, MedGen C5979921, MONDO:0018772.
Meckel-Gruber syndrome. Also called: DYSENCEPHALIA SPLANCHNOCYSTICA; GRUBER SYNDROME; Dysencephalia splachnocystica. Identifiers: Orphanet 564, MedGen C0265215, MONDO:0018921.

Allele frequency attached by ClinVar (database versions not stated): gnomAD exomes 0.00002.
gnomAD v4.1: 9 of 1,546,812 alleles (0.00058%); highest among the groups gnomAD compares: East Asian, 0.02%; no homozygotes.

Submission:

Labcorp Genetics (formerly Invitae), Labcorp
Classification: Uncertain significance for Joubert syndrome; Meckel-Gruber syndrome. Last evaluated: 2025-01-15. Review status: criteria provided, single submitter. Criteria: Invitae Variant Classification Sherloc (09022015). Collection method: clinical testing. Allele origin: germline.
Comment: This sequence change replaces threonine, which is neutral and polar, with isoleucine, which is neutral and non-polar, at codon 725 of the CC2D2A protein (p.Thr725Ile). This variant is present in population databases (no rsID available, gnomAD 0.01%). This variant has not been reported in the literature in individuals affected with CC2D2A-related conditions. ClinVar contains an entry for this variant (Variation ID: 2051624). Invitae Evidence Modeling of protein sequence and biophysical properties (such as structural, functional, and spatial information, amino acid conservation, physicochemical variation, residue mobility, and thermodynamic stability) indicates that this missense variant is not expected to disrupt CC2D2A protein function with a negative predictive value of 95%. In summary, the available evidence is currently insufficient to determine the role of this variant in disease. Therefore, it has been classified as a Variant of Uncertain Significance.

NM_001378615.1(CC2D2A):c.2174C>T (p.Thr725Ile)

Genes: CC2D2A (coiled-coil and C2 domain containing 2A; plus strand), FBXL5 (F-box and leucine rich repeat protein 5; minus strand). Cytogenetic location: 4p15.32.
Variant type: single nucleotide variant.
Coding change: c.2174C>T on transcript NM_001378615.1 (MANE Select); coding-DNA position 2174, C replaced by T.
Protein change: p.Thr725Ile; replaces threonine 725 with isoleucine.
Molecular consequence: missense variant.
Genome position (GRCh38, 1-based): chr4:15,541,007, C>T. VCF-style: chr4-15541007-C-T. GRCh37 (hg19) VCF-style: chr4-15542630-C-T.
Other names: c.2027C>T, p.Thr676Ile (NM_001378617.1); c.2174C>T, p.Thr725Ile (NM_001080522.2); short protein forms T676I, T725I.
Identifiers: ClinVar variation 2051624 (VCV002051624.3), dbSNP rs1214512907, ClinGen allele CA356414299.